The following is an entry in ClinVar:

NM_001369369.1(FOXN1):c.17C>T (p.Pro6Leu)

Gene: FOXN1 (forkhead box N1; plus strand). Cytogenetic location: 17q11.2.
Variant type: single nucleotide variant.
Coding change: c.17C>T on transcript NM_001369369.1 (MANE Select); coding-DNA position 17, C replaced by T.
Protein change: p.Pro6Leu; replaces proline 6 with leucine.
Molecular consequence: missense variant.
Genome position (GRCh38, 1-based): chr17:28,523,986, C>T. VCF-style: chr17-28523986-C-T. GRCh37 (hg19) VCF-style: chr17-26851004-C-T.
Other names: c.17C>T, p.Pro6Leu (NM_003593.3); short protein forms P6L.
Identifiers: ClinVar variation 2417104 (VCV002417104.6), dbSNP rs569010186, ClinGen allele CA8459115.

ClinVar aggregate classification (germline): Uncertain significance. Review status: criteria provided, multiple submitters, no conflicts (2 of 4 stars). 2 submissions from 2 submitters: Uncertain significance (2). Last evaluated 2025-09-01.

Conditions:
Inborn genetic diseases. Identifiers: MedGen C0950123, MeSH D030342.
T-cell immunodeficiency, congenital alopecia, and nail dystrophy. Also called: Congenital alopecia and nail dystrophy associated with severe functional T-cell immunodeficiency; Pignata Guarino syndrome. Identifiers: Orphanet 169095, MedGen C1866426, MONDO:0011132, OMIM 601705.

Allele frequency attached by ClinVar (database versions not stated): TOPMed 0.00002; gnomAD 0.00003; ExAC 0.00004; 1000 Genomes Project 30x 0.00016; 1000 Genomes Project 0.00020.
gnomAD v4.1: 56 of 1,613,200 alleles (0.0035%); highest among the groups gnomAD compares: Non-Finnish European, 0.0043%; no homozygotes.

Submissions (2):

Ambry Genetics
Classification: Uncertain significance for Inborn genetic diseases. Last evaluated: 2025-09-01. Review status: criteria provided, single submitter. Criteria: Ambry Variant Classification Scheme 2023. Collection method: clinical testing. Allele origin: germline.

Labcorp Genetics (formerly Invitae), Labcorp
Classification: Uncertain significance for T-cell immunodeficiency, congenital alopecia, and nail dystrophy. Last evaluated: 2025-08-31. Review status: criteria provided, single submitter. Criteria: Invitae Variant Classification Sherloc (09022015). Collection method: clinical testing. Allele origin: germline.
Comment: This sequence change replaces proline, which is neutral and non-polar, with leucine, which is neutral and non-polar, at codon 6 of the FOXN1 protein (p.Pro6Leu). This variant is present in population databases (rs569010186, gnomAD 0.009%). This variant has not been reported in the literature in individuals affected with FOXN1-related conditions. ClinVar contains an entry for this variant (Variation ID: 2417104). An algorithm developed to predict the effect of missense changes on protein structure and function outputs the following: PolyPhen-2: "Benign". The leucine amino acid residue is found in multiple mammalian species, which suggests that this missense change does not adversely affect protein function. In summary, the available evidence is currently insufficient to determine the role of this variant in disease. Therefore, it has been classified as a Variant of Uncertain Significance.